The following is an entry in ClinVar:

ClinVar aggregate classification (germline): Benign (1 of 4 stars; one submission).

Conditions:
Ehlers-Danlos syndrome, classic type (cEDS). Identifiers: Orphanet 287, MedGen C4225429, MONDO:0007522.

Allele frequency attached by ClinVar (database versions not stated): TOPMed 0.00042; 1000 Genomes Project 30x 0.00078; 1000 Genomes Project 0.00080.

Submission:

Illumina Laboratory Services, Illumina
Classification: Benign for Ehlers-Danlos syndrome, classic type, 1. Last evaluated: 2018-01-12. Review status: criteria provided, single submitter. Criteria: ICSL Variant Classification Criteria 13 December 2019. Collection method: clinical testing. Allele origin: germline.
Comment: This variant was observed in the ICSL laboratory as part of a predisposition screen in an ostensibly healthy population. It had not been previously curated by ICSL or reported in the Human Gene Mutation Database (HGMD: prior to June 1st, 2018), and was therefore a candidate for classification through an automated scoring system. Utilizing variant allele frequency, disease prevalence and penetrance estimates, and inheritance mode, an automated score was calculated to assess if this variant is too frequent to cause the disease. Based on the score and internal cut-off values, a variant classified as benign is not then subjected to further curation. The score for this variant resulted in a classification of benign for this disease.

NM_000093.5(COL5A1):c.*1807G>C

Genes: COL5A1 (collagen type V alpha 1 chain; plus strand), LOC101448202 (uncharacterized LOC101448202; minus strand). Cytogenetic location: 9q34.3.
Variant type: single nucleotide variant.
Coding change: c.*1807G>C on transcript NM_000093.5 (MANE Select); 1807 bases downstream of the stop codon, G replaced by C.
Molecular consequence: 3 prime UTR variant.
Genome position (GRCh38, 1-based): chr9:134,844,110, G>C. VCF-style: chr9-134844110-G-C. GRCh37 (hg19) VCF-style: chr9-137735956-G-C.
Other names: c.*1807G>C (NM_001278074.1).
Identifiers: ClinVar variation 365781 (VCV000365781.7), dbSNP rs374715103, ClinGen allele CA10633193.
Genomic context (GRCh38, chr9:134,844,110, plus strand): 5'-ACCATGGGAAATGCAGGCTGGGCCCTTGGGGTGAGCCTGCGGGGCTCTGGTGCTGTCCCC[G>C]ACCCCCACCACCACCAGAATGCAGTTCCAGCTTAGGAAGCCACAAACAAGCCACCCAGGA-3'